The following is an entry in ClinVar:

NM_012079.6(DGAT1):c.691_692delinsGC (p.Lys231Ala)

Gene: DGAT1 (diacylglycerol O-acyltransferase 1; minus strand). Cytogenetic location: 8q24.3.
Variant type: Indel.
Coding change: c.691_692delinsGC on transcript NM_012079.6 (MANE Select); coding-DNA positions 691 to 692, AA replaced by GC.
Protein change: p.Lys231Ala; replaces lysine 231 with alanine.
Molecular consequence: missense variant.
Genome position (GRCh38, 1-based): chr8:144,318,154-144,318,155, TT replaced by GC on the plus strand (AA replaced by GC on the coding strand, the reverse complement: DGAT1 is on the minus strand). VCF-style: chr8-144318154-TT-GC. GRCh37 (hg19) VCF-style: chr8-145541817-TT-GC.
Other names: short protein forms K231A.
Identifiers: ClinVar variation 1477190 (VCV001477190.5), dbSNP rs2130519259, ClinGen allele CA2573142992.

ClinVar aggregate classification (germline): Uncertain significance (1 of 4 stars; one submission).

Submission:

Labcorp Genetics (formerly Invitae), Labcorp
Classification: Uncertain significance. Last evaluated: 2022-09-12. Review status: criteria provided, single submitter. Criteria: Invitae Variant Classification Sherloc (09022015). Collection method: clinical testing. Allele origin: germline.
Comment: This sequence change replaces lysine, which is basic and polar, with alanine, which is neutral and non-polar, at codon 231 of the DGAT1 protein (p.Lys231Ala). This variant is present in population databases (no rsID available, gnomAD 0.08%). This variant has not been reported in the literature in individuals affected with DGAT1-related conditions. ClinVar contains an entry for this variant (Variation ID: 1477190). Algorithms developed to predict the effect of missense changes on protein structure and function are either unavailable or do not agree on the potential impact of this missense change (SIFT: "Not Available"; PolyPhen-2: "Benign"; Align-GVGD: "Not Available"). In summary, the available evidence is currently insufficient to determine the role of this variant in disease. Therefore, it has been classified as a Variant of Uncertain Significance.